The following is an entry in ClinVar:

NM_014141.6(CNTNAP2):c.2580T>A (p.Phe860Leu)

Gene: CNTNAP2 (contactin associated protein 2; plus strand). Cytogenetic location: 7q35.
Variant type: single nucleotide variant.
Coding change: c.2580T>A on transcript NM_014141.6 (MANE Select); coding-DNA position 2580, T replaced by A.
Protein change: p.Phe860Leu; replaces phenylalanine 860 with leucine.
Molecular consequence: missense variant.
Genome position (GRCh38, 1-based): chr7:148,147,516, T>A. VCF-style: chr7-148147516-T-A. GRCh37 (hg19) VCF-style: chr7-147844608-T-A.
Other names: short protein forms F860L.
Identifiers: ClinVar variation 839504 (VCV000839504.13), dbSNP rs1563214671, ClinGen allele CA369927880.
Genomic context (GRCh38, chr7:148,147,516, plus strand): 5'-AATACTCATGTTTTTCATGCTTTCTGCTCCTCCAGCTGCCACAGAAGTGTCCTTTTCATT[T>A]GATGTGGGAAATGGGCCAGTAGAGATTGTAGTGAGGTCACCAACCCCTCTCAACGATGAC-3'
Protein context (NP_054860.1, residues 850-870): LKSATEVSFS[Phe860Leu]DVGNGPVEIV

ClinVar aggregate classification (germline): Uncertain significance. Review status: criteria provided, multiple submitters, no conflicts (2 of 4 stars). 2 submissions from 2 submitters: Uncertain significance (2). Last evaluated 2022-07-19.

Conditions:
Cortical dysplasia-focal epilepsy syndrome (PTHSL1). Also called: Pitt-Hopkins-like syndrome 1. Identifiers: Orphanet 163681, Orphanet 221150, MedGen C2750246, MONDO:0012400, OMIM 610042.

Allele frequency attached by ClinVar (database versions not stated): gnomAD exomes below 0.00001 and 0.00001.
gnomAD v4.1: 4 of 1,614,110 alleles (0.00025%); highest among the groups gnomAD compares: Non-Finnish European, 0.00034%; no homozygotes.

Submissions (2):

Labcorp Genetics (formerly Invitae), Labcorp
Classification: Uncertain significance for Cortical dysplasia-focal epilepsy syndrome. Last evaluated: 2022-07-19. Review status: criteria provided, single submitter. Criteria: Invitae Variant Classification Sherloc (09022015). Collection method: clinical testing. Allele origin: germline.
Comment: Algorithms developed to predict the effect of missense changes on protein structure and function are either unavailable or do not agree on the potential impact of this missense change (SIFT: "Deleterious"; PolyPhen-2: "Possibly Damaging"; Align-GVGD: "Class C15"). ClinVar contains an entry for this variant (Variation ID: 839504). This variant has not been reported in the literature in individuals affected with CNTNAP2-related conditions. This variant is not present in population databases (gnomAD no frequency). This sequence change replaces phenylalanine, which is neutral and non-polar, with leucine, which is neutral and non-polar, at codon 860 of the CNTNAP2 protein (p.Phe860Leu). In summary, the available evidence is currently insufficient to determine the role of this variant in disease. Therefore, it has been classified as a Variant of Uncertain Significance. Algorithms developed to predict the effect of sequence changes on RNA splicing suggest that this variant may create or strengthen a splice site.

GeneDx
Classification: Uncertain significance. Last evaluated: 2020-08-07. Review status: criteria provided, single submitter. Criteria: GeneDx Variant Classification Process June 2021. Collection method: clinical testing. Allele origin: germline. Affected: yes.
Comment: Not observed at a significant frequency in large population cohorts (Lek et al., 2016); In silico analysis supports that this missense variant has a deleterious effect on protein structure/function; This variant is associated with the following publications: (PMID: 24807205)